The following is an entry in ClinVar:

NM_024079.5(ALG8):c.1114dup (p.Ser372fs)

Gene: ALG8 (ALG8 alpha-1,3-glucosyltransferase; minus strand). Cytogenetic location: 11q14.1.
Variant type: Duplication.
Coding change: c.1114dup on transcript NM_024079.5 (MANE Select); coding-DNA position 1114, one base duplicated (A; older notation c.1114dupA).
Protein change: p.Ser372fs; shifts the reading frame from serine 372.
Molecular consequence: frameshift variant. On other transcripts: non-coding transcript variant (1), intron variant (2).
Genome position (GRCh38, 1-based): chr11:78,106,871, T duplicated on the plus strand (A on the coding strand, the reverse complement: ALG8 is on the minus strand). VCF-style (leftmost placement, unchanged base first): chr11-78106870-C-CT. GRCh37 (hg19) VCF-style: chr11-77817916-C-CT.
Other names: c.1114dupA (NM_024079.5); c.1114dup, p.Ser372fs (NM_001007027.3, NM_001425222.1, NM_001425227.1 and 3 more transcripts); c.1117dup, p.Ser373fs (NM_001425219.1); c.1099dup, p.Ser367fs (NM_001425220.1); c.1039dup, p.Ser347fs (NM_001425221.1); c.1108dup, p.Ser370fs (NM_001425223.1); c.1207dup, p.Ser403fs (NM_001425224.1); c.1162dup, p.Ser388fs (NM_001425225.1); and 11 more; short protein forms S208fs, S284fs, S285fs, S305fs, S367fs, S403fs, S370fs, S388fs.
Identifiers: ClinVar variation 3574039 (VCV003574039.2).

ClinVar aggregate classification (germline): Likely pathogenic. Review status: criteria provided, multiple submitters, no conflicts (2 of 4 stars). 2 submissions from 2 submitters: Likely pathogenic (2). Last evaluated 2025-06-01.

Conditions:
ALG8 congenital disorder of glycosylation. Also called: CONGENITAL DISORDER OF GLYCOSYLATION, TYPE Ih; CDG Ih; ALG8-CDG. Identifiers: Orphanet 79325, MedGen C2931002, MONDO:0011969, OMIM 608104.
Polycystic liver disease 3 with or without kidney cysts. Identifiers: MedGen C4693472, MONDO:0054743, OMIM 617874.
Familial cystic renal disease. Identifiers: Orphanet 93587, MedGen C5680285, MONDO:0019741.

Submissions (2):

Mayo Translational Polycystic Kidney Disease Center, Mayo Clinic
Classification: Likely pathogenic for Familial cystic renal disease. Last evaluated: 2025-06-01. Review status: criteria provided, single submitter. Criteria: ACMG Guidelines, 2015. Collection method: research. Allele origin: germline. Inheritance: Autosomal dominant inheritance. Affected: yes.
Comment: The c.1114dupA variant in the ALG8 gene causes a frameshift beginning at codon 372, resulting in a premature stop codon 11 residues downstream (p.Ser372LysfsTer11). This alteration is expected to lead to a truncated protein, consistent with a loss-of-function (LoF) mechanism known to be pathogenic in ALG8-related disorders, thereby fulfilling the PVS1 criterion. This variant is extremely rare, observed only once in the gnomAD v4.1.0 database, supporting PM2. Clinically, the variant has been identified in an individual presenting with severe polycystic liver disease and mild polycystic kidney disease, aligning with the phenotypic spectrum associated with ALG8 mutations (PP4) (Jawaid, 2025). Given the nature of the mutation, its predicted impact on protein function, and its rarity in the general population, the variant is classified as likely pathogenic.

Fulgent Genetics
Classification: Likely pathogenic for ALG8 congenital disorder of glycosylation; Polycystic liver disease 3 with or without kidney cysts. Last evaluated: 2024-03-25. Review status: criteria provided, single submitter. Criteria: ACMG Guidelines, 2015. Collection method: clinical testing. Allele origin: germline.

Literature cited by the submitters: PubMed 39899384 (cited by Mayo Translational Polycystic Kidney Disease Center, Mayo Clinic).